The following is an entry in ClinVar:

ClinVar aggregate classification (germline): Uncertain significance (1 of 4 stars; one submission).

Conditions:
Intellectual disability, autosomal recessive 53 (NEDHSCA). Also called: GLYCOSYLPHOSPHATIDYLINOSITOL BIOSYNTHESIS DEFECT 13; Mental retardation, autosomal recessive 53; NEURODEVELOPMENTAL DISORDER WITH OR WITHOUT HYPOTONIA, SEIZURES, AND CEREBELLAR ATROPHY. Identifiers: Orphanet 488635, MedGen C4310794, MONDO:0014832, OMIM 616917.

Submission:

Labcorp Genetics (formerly Invitae), Labcorp
Classification: Uncertain significance for Intellectual disability, autosomal recessive 53. Last evaluated: 2021-09-09. Review status: criteria provided, single submitter. Criteria: Invitae Variant Classification Sherloc (09022015). Collection method: clinical testing. Allele origin: germline.
Comment: This sequence change replaces tyrosine with cysteine at codon 732 of the PIGG protein (p.Tyr732Cys). The tyrosine residue is moderately conserved and there is a large physicochemical difference between tyrosine and cysteine. This variant is not present in population databases (ExAC no frequency). This variant has not been reported in the literature in individuals affected with PIGG-related conditions. Algorithms developed to predict the effect of missense changes on protein structure and function are either unavailable or do not agree on the potential impact of this missense change (SIFT: "Deleterious"; PolyPhen-2: "Probably Damaging"; Align-GVGD: "Class C0"). In summary, the available evidence is currently insufficient to determine the role of this variant in disease. Therefore, it has been classified as a Variant of Uncertain Significance.

NM_001127178.3(PIGG):c.2195A>G (p.Tyr732Cys)

Gene: PIGG (phosphatidylinositol glycan anchor biosynthesis class G (EMM blood group); plus strand). Cytogenetic location: 4p16.3.
Variant type: single nucleotide variant.
Coding change: c.2195A>G on transcript NM_001127178.3 (MANE Select); coding-DNA position 2195, A replaced by G.
Protein change: p.Tyr732Cys; replaces tyrosine 732 with cysteine.
Molecular consequence: missense variant. On other transcripts: non-coding transcript variant (10).
Genome position (GRCh38, 1-based): chr4:527,164, A>G. VCF-style: chr4-527164-A-G. GRCh37 (hg19) VCF-style: chr4-520953-A-G.
Other names: c.1928A>G, p.Tyr643Cys (NM_001289051.2, NM_001345986.2); c.1796A>G, p.Tyr599Cys (NM_001289052.2); c.1904A>G, p.Tyr635Cys (NM_001345987.2); c.1166A>G, p.Tyr389Cys (NM_001345988.2); c.662A>G, p.Tyr221Cys (NM_001345990.2, NM_001345991.2); c.1097A>G, p.Tyr366Cys (NM_001345994.2); c.2171A>G, p.Tyr724Cys (NM_017733.5); short protein forms Y643C, Y221C, Y366C, Y389C, Y599C, Y635C, Y724C, Y732C.
Identifiers: ClinVar variation 1463715 (VCV001463715.6), dbSNP rs2108995670, ClinGen allele CA355908772.